The following is an entry in ClinVar:

NM_001853.4(COL9A3):c.1189G>A (p.Gly397Arg)

Gene: COL9A3 (collagen type IX alpha 3 chain; plus strand). Cytogenetic location: 20q13.33.
Variant type: single nucleotide variant.
Coding change: c.1189G>A on transcript NM_001853.4 (MANE Select); coding-DNA position 1189, G replaced by A.
Protein change: p.Gly397Arg; replaces glycine 397 with arginine.
Molecular consequence: missense variant.
Genome position (GRCh38, 1-based): chr20:62,830,387, G>A. VCF-style: chr20-62830387-G-A. GRCh37 (hg19) VCF-style: chr20-61461739-G-A.
Other names: short protein forms G397R.
Identifiers: ClinVar variation 3382066 (VCV003382066.4).

ClinVar aggregate classification (germline): Uncertain significance. Review status: criteria provided, multiple submitters, no conflicts (2 of 4 stars). 2 submissions from 2 submitters: Uncertain significance (2). Last evaluated 2024-06-25.

Conditions:
Epiphyseal dysplasia, multiple, 3 (EDM3). Also called: Epiphyseal dysplasia, multiple, 3, with or without myopathy; COL9A3-Related Multiple Epiphyseal Dysplasia. Identifiers: MedGen C1832998, MONDO:0010964, OMIM 600969.

gnomAD v4.1: 4 of 1,572,806 alleles (0.00025%); highest among the groups gnomAD compares: South Asian, 0.0012%; no homozygotes.

Submissions (2):

Labcorp Genetics (formerly Invitae), Labcorp
Classification: Uncertain significance. Last evaluated: 2024-06-25. Review status: criteria provided, single submitter. Criteria: Invitae Variant Classification Sherloc (09022015). Collection method: clinical testing. Allele origin: germline.
Comment: This sequence change replaces glycine, which is neutral and non-polar, with arginine, which is basic and polar, at codon 397 of the COL9A3 protein (p.Gly397Arg). The frequency data for this variant in the population databases is considered unreliable, as metrics indicate poor data quality at this position in the gnomAD database. This variant has not been reported in the literature in individuals affected with COL9A3-related conditions. Advanced modeling of protein sequence and biophysical properties (such as structural, functional, and spatial information, amino acid conservation, physicochemical variation, residue mobility, and thermodynamic stability) performed at Invitae indicates that this missense variant is expected to disrupt COL9A3 protein function with a positive predictive value of 95%. In summary, the available evidence is currently insufficient to determine the role of this variant in disease. Therefore, it has been classified as a Variant of Uncertain Significance.

Juno Genomics, Hangzhou Juno Genomics, Inc
Classification: Uncertain significance for Epiphyseal dysplasia, multiple, 3. Review status: criteria provided, single submitter. Criteria: ACMG Guidelines, 2015. Collection method: clinical testing. Allele origin: germline. Affected: yes.
Comment: Absent from controls (or at extremely low frequency if recessive) in Genome Aggregation Database, Exome Sequencing Project, 1000 Genomes Project, or Exome Aggregation Consortium.;Multiple lines of computational evidence support a deleterious effect on the gene or gene product (conservation, evolutionary, splicing impact, etc).